The following is an entry in ClinVar:

ClinVar aggregate classification (germline): Uncertain significance (1 of 4 stars; one submission).

Conditions:
TTN-related disorder. Also called: TTN-related disorders; TTN-related condition; TTN-related disease.

gnomAD v4.1: 1 of 1,581,600 alleles (0.000063%); highest among the groups gnomAD compares: African/African-American, 0.0013%; no homozygotes.

Submission:

PreventionGenetics, part of Exact Sciences
Classification: Uncertain significance for TTN-related condition. Last evaluated: 2026-02-19. Review status: criteria provided, single submitter. Criteria: ACMG Guidelines, 2015. Collection method: clinical testing. Allele origin: germline.
Comment: The TTN c.39808C>T variant is predicted to result in the amino acid substitution p.Pro13270Ser. To our knowledge, this variant has not been reported in the literature. This variant is reported in 0.0083% of alleles in individuals of African descent in gnomAD. At this time, the clinical significance of this variant is uncertain due to the absence of conclusive functional and genetic evidence.

NM_001267550.2(TTN):c.39808C>T (p.Pro13270Ser)

Gene: TTN (titin; minus strand). Cytogenetic location: 2q31.2.
Variant type: single nucleotide variant.
Coding change: c.39808C>T on transcript NM_001267550.2 (MANE Select); coding-DNA position 39808, C replaced by T.
Protein change: p.Pro13270Ser; replaces proline 13270 with serine.
Molecular consequence: missense variant. On other transcripts: intron variant (3).
Genome position (GRCh38, 1-based): chr2:178,650,173, G>A on the plus strand (C>T on the coding strand, the complement: TTN is on the minus strand). VCF-style: chr2-178650173-G-A. GRCh37 (hg19) VCF-style: chr2-179514900-G-A.
Other names: c.35287C>T, p.Pro11763Ser (NM_001256850.1); c.32506C>T, p.Pro10836Ser (NM_133378.4); c.13283-7856C>T (NM_003319.4); c.13859-7856C>T (NM_133437.4); c.13658-7856C>T (NM_133432.3); short protein forms P10836S, P11763S, P13270S.
Identifiers: ClinVar variation 4982706 (VCV004982706.1).